The following is an entry in ClinVar:

NM_000136.3(FANCC):c.377_378del (p.Arg126fs)

Gene: FANCC (FA complementation group C; minus strand). Cytogenetic location: 9q22.32.
Variant type: Deletion.
Coding change: c.377_378del on transcript NM_000136.3 (MANE Select); coding-DNA positions 377 to 378, 2 bases deleted (GA; older notation c.377_378delGA).
Protein change: p.Arg126fs; shifts the reading frame from arginine 126.
Molecular consequence: frameshift variant.
Genome position (GRCh38, 1-based): chr9:95,172,115-95,172,116, TC deleted on the plus strand (GA on the coding strand, the reverse complement: FANCC is on the minus strand); deleting any 2 consecutive bases within chr9:95,172,115-95,172,117 gives the same sequence; the c. name uses the placement nearest the transcript's 3' end. VCF-style (leftmost placement, unchanged base first): chr9-95172114-ATC-A. GRCh37 (hg19) VCF-style: chr9-97934396-ATC-A.
Other names: c.376_377del (NM_000136.2); c.377_378del, p.Arg126fs (NM_001243743.2, NM_001243744.2); short protein forms R126fs.
Identifiers: ClinVar variation 633205 (VCV000633205.31), dbSNP rs1564720637, ClinGen allele CA913189693.

ClinVar aggregate classification (germline): Pathogenic/Likely pathogenic. Review status: criteria provided, multiple submitters, no conflicts (2 of 4 stars). 5 submissions from 5 submitters: Pathogenic (3); Likely pathogenic (1). 1 of the submissions does not count toward it. Last evaluated 2025-04-23.

Conditions:
Fanconi anemia complementation group C (FANCC). Also called: FANCONI PANCYTOPENIA, TYPE 3; FACC; Fanconi anemia, group C; FANCC-Related Fanconi Anemia. Identifiers: Orphanet 84, MedGen C3468041, MONDO:0009213, OMIM 227645.
Fanconi anemia (FA). Also called: Fanconi's anemia. Identifiers: Orphanet 84, MedGen C0015625, MeSH D005199, MONDO:0019391.

Submissions (5):

Natera, Inc.
Classification: Pathogenic for Fanconi anemia. Last evaluated: 2025-04-23. Review status: criteria provided, single submitter. Criteria: Natera Variant Classification Schema (03/2026). Collection method: clinical testing. Allele origin: germline.
Comment: The c.377_378delGA variant in FANCC is a frameshift variant predicted to shift the reading frame beginning at codon 126 and leads to a stop codon 2 codons downstream. This variant is expected to result in nonsense mediated decay, truncation, or a dysfunctional protein product. This variant is rare in the general population with a frequency below the threshold expected for the associated phenotype(s). This variant has been observed in one or more individuals affected with the associated recessive disease, as either homozygous or compound heterozygous with a second variant (PMID: 23934222, 17924555). Given the available evidence, this variant is classified as Pathogenic.

CeGaT Center for Human Genetics Tuebingen
Classification: Pathogenic. Last evaluated: 2023-09-01. Review status: criteria provided, single submitter. Criteria: CeGaT Center For Human Genetics Tuebingen Variant Classification Criteria Version 2. Collection method: clinical testing. Allele origin: germline. Affected: yes. Observed: 2 variant alleles.
Comment: FANCC: PVS1, PM2, PM3

Labcorp Genetics (formerly Invitae), Labcorp
Classification: Pathogenic for Fanconi anemia. Last evaluated: 2022-10-19. Review status: criteria provided, single submitter. Criteria: Invitae Variant Classification Sherloc (09022015). Collection method: clinical testing. Allele origin: germline.
Comment: This sequence change creates a premature translational stop signal (p.Arg126Ilefs*2) in the FANCC gene. It is expected to result in an absent or disrupted protein product. Loss-of-function variants in FANCC are known to be pathogenic (PMID: 17924555). This variant is not present in population databases (gnomAD no frequency). This premature translational stop signal has been observed in individual(s) with FANCC-related conditions (PMID: 10994546). ClinVar contains an entry for this variant (Variation ID: 633205). For these reasons, this variant has been classified as Pathogenic.

Women's Health and Genetics/Laboratory Corporation of America, LabCorp
Classification: Likely pathogenic for Fanconi anemia, complementation group C. Last evaluated: 2018-11-16. Review status: criteria provided, single submitter. Criteria: LabCorp Variant Classification Summary - May 2015. Collection method: clinical testing. Allele origin: germline.
Comment: Variant summary: FANCC c.377_378delGA (p.Arg126IlefsX2) results in a premature termination codon, predicted to cause a truncation of the encoded protein or absence of the protein due to nonsense mediated decay, which are commonly known mechanisms for disease. Truncations downstream of this position have been classified as pathogenic by our laboratory (eg. c.520C>T (p.Arg174X), c.553C>T (p.Arg185X), and c.1642C>T (p.Arg548X)). The variant was absent in 246168 control chromosomes. c.377_378delGA has been reported in the literature in individuals affected with Fanconi Anemia Group C (Ameziane_2008, Nalepa_2013), along with two siblings who were heterozygous for the variant and suffered from T-ALL with subsequent MDS transforming to AML in one of them (Rischewski_200). These data indicate that the variant may be associated with disease. At least one publication reports experimental evidence evaluating an impact on protein function, however, does not allow convincing conclusions about the variant effect. No clinical diagnostic laboratories have submitted clinical-significance assessments for this variant to ClinVar after 2014. Based on the evidence outlined above, the variant was classified as likely pathogenic.

Leiden Open Variation Database
Classification: Pathogenic for Fanconi anemia complementation group C. Last evaluated: 2020-02-28. Review status: no assertion criteria provided. Collection method: curation. Allele origin: germline. Affected: yes. Not counted in ClinVar's aggregate classification.
Comment: Curator: Arleen D. Auerbach. Submitter to LOVD: Johan de Winter.

Literature cited by the submitters: PubMed 23934222 (cited by Natera, Inc. and Women's Health and Genetics/Laboratory Corporation of America, LabCorp); PubMed 17924555 (cited by 4 submitters); PubMed 10994546 (cited by Labcorp Genetics (formerly Invitae), Labcorp and Women's Health and Genetics/Laboratory Corporation of America, LabCorp).